The following is an entry in ClinVar:

ClinVar aggregate classification (germline): Conflicting classifications of pathogenicity. Review status: criteria provided, conflicting classifications (1 of 4 stars). 7 submissions from 3 submitters: Uncertain significance (5); Benign (2). Last evaluated 2026-01-16.

Conditions:
Tibial muscular dystrophy (TMD). Also called: Udd Distal Myopathy – Tibial Muscular Dystrophy; UDD MYOPATHY; Tibial muscular dystrophy, tardive. Identifiers: Orphanet 609, MedGen C1838244, MONDO:0010870, OMIM 600334.
Myopathy, myofibrillar, 9, with early respiratory failure (MFM9). Also called: Myopathy, distal, with early respiratory failure, autosomal dominant; Hereditary myopathy with early respiratory failure; EDSTROM MYOPATHY; MYOPATHY, PROXIMAL, WITH EARLY RESPIRATORY MUSCLE INVOLVEMENT. Identifiers: Orphanet 178464, Orphanet 34521, MedGen C1863599, MONDO:0011362, OMIM 603689.
Autosomal recessive limb-girdle muscular dystrophy type 2J (LGMDR10). Also called: MUSCULAR DYSTROPHY, LIMB-GIRDLE, AUTOSOMAL RECESSIVE 10; Limb-girdle muscular dystrophy, type 2J. Identifiers: Orphanet 140922, MedGen C1837342, MONDO:0012127, OMIM 608807.
Dilated cardiomyopathy 1G (CMD1G). Identifiers: Orphanet 154, MedGen C1858763, MONDO:0011400, OMIM 604145.
Early-onset myopathy with fatal cardiomyopathy (CMYO5). Also called: CONGENITAL MYOPATHY 5 WITH CARDIOMYOPATHY; Salih Myopathy. Identifiers: Orphanet 289377, MedGen C2673677, MONDO:0012714, OMIM 611705. Disease mechanism: loss of function.

Allele frequency attached by ClinVar (database versions not stated): gnomAD exomes 0.00001 and 0.00004; TOPMed 0.00001; ExAC 0.00002; gnomAD 0.00002 and 0.00003; 1000 Genomes Project 30x 0.00016.
gnomAD v4.1: 22 of 1,613,212 alleles (0.0014%); highest among the groups gnomAD compares: East Asian, 0.029%; no homozygotes.

Submissions (7):

Women's Health and Genetics/Laboratory Corporation of America, LabCorp
Classification: Uncertain significance. Last evaluated: 2026-01-16. Review status: criteria provided, single submitter. Criteria: LabCorp Variant Classification Summary - May 2015. Collection method: clinical testing. Allele origin: germline.
Comment: Variant summary: TTN c.60746G>A (p.Arg20249Gln) results in a conservative amino acid change located in the A-band region of the encoded protein sequence. Algorithms developed to predict the effect of missense changes on protein structure and function are either unavailable or do not agree on the potential impact of this missense change. The variant allele was found at a frequency of 1.4e-05 in 1606248 control chromosomes, predominantly at a frequency of 0.00029 within the East Asian subpopulation in the gnomAD database. This frequency is somewhat lower than the maximum estimated for disease-causing variants in TTN, allowing no clear conclusions about variant significance. c.60746G>A has been observed in an individual affected with Dilated Cardiomyopathy (DCM); however, no supportive evidence was provided for causality (Mazzarotto_2020). These report(s) do not provide unequivocal conclusions about association of the variant with Dilated Cardiomyopathy. To our knowledge, no experimental evidence demonstrating an impact on protein function has been reported. The following publication have been ascertained in the context of this evaluation (PMID: 31983221). ClinVar contains an entry for this variant (Variation ID: 332796). Based on the evidence outlined above, the variant was classified as uncertain significance.

Athena Diagnostics
Classification: Uncertain significance. Last evaluated: 2024-09-26. Review status: criteria provided, single submitter. Criteria: Athena Diagnostics Criteria. Collection method: clinical testing. Allele origin: unknown.
Comment: Available data are insufficient to determine the clinical significance of the variant at this time. The frequency of this variant in the general population is higher than would generally be expected for pathogenic variants in this gene. Polyphen and MutationTaster yielded discordant predictions regarding whether this amino acid change is damaging to the protein.

Illumina Laboratory Services, Illumina
Classification: Uncertain significance for Dilated cardiomyopathy 1G. Last evaluated: 2018-01-12. Review status: criteria provided, single submitter. Criteria: ICSL Variant Classification Criteria 13 December 2019. Collection method: clinical testing. Allele origin: germline.

Illumina Laboratory Services, Illumina
Classification: Benign for Tibial muscular dystrophy. Last evaluated: 2018-01-12. Review status: criteria provided, single submitter. Criteria: ICSL Variant Classification Criteria 13 December 2019. Collection method: clinical testing. Allele origin: germline.
Comment: This variant was observed in the ICSL laboratory as part of a predisposition screen in an ostensibly healthy population. It had not been previously curated by ICSL or reported in the Human Gene Mutation Database (HGMD: prior to June 1st, 2018), and was therefore a candidate for classification through an automated scoring system. Utilizing variant allele frequency, disease prevalence and penetrance estimates, and inheritance mode, an automated score was calculated to assess if this variant is too frequent to cause the disease. Based on the score and internal cut-off values, a variant classified as benign is not then subjected to further curation. The score for this variant resulted in a classification of benign for this disease.

Illumina Laboratory Services, Illumina
Classification: Uncertain significance for Autosomal recessive limb-girdle muscular dystrophy type 2J. Last evaluated: 2018-01-12. Review status: criteria provided, single submitter. Criteria: ICSL Variant Classification Criteria 13 December 2019. Collection method: clinical testing. Allele origin: germline.

Illumina Laboratory Services, Illumina
Classification: Uncertain significance for Early-onset myopathy with fatal cardiomyopathy. Last evaluated: 2018-01-12. Review status: criteria provided, single submitter. Criteria: ICSL Variant Classification Criteria 13 December 2019. Collection method: clinical testing. Allele origin: germline.

Illumina Laboratory Services, Illumina
Classification: Benign for Myopathy, myofibrillar, 9, with early respiratory failure. Last evaluated: 2018-01-12. Review status: criteria provided, single submitter. Criteria: ICSL Variant Classification Criteria 13 December 2019. Collection method: clinical testing. Allele origin: germline.
Comment: the same text as in the submission from Illumina Laboratory Services, Illumina above.

Literature cited by the submitters: PubMed 31983221 (cited by Women's Health and Genetics/Laboratory Corporation of America, LabCorp and Athena Diagnostics).

NM_001267550.2(TTN):c.68450G>A (p.Arg22817Gln)

Genes: TTN (titin; minus strand), TTN-AS1 (TTN antisense RNA 1; plus strand). Cytogenetic location: 2q31.2.
Variant type: single nucleotide variant.
Coding change: c.68450G>A on transcript NM_001267550.2 (MANE Select); coding-DNA position 68450, G replaced by A.
Protein change: p.Arg22817Gln; replaces arginine 22817 with glutamine.
Molecular consequence: missense variant.
Genome position (GRCh38, 1-based): chr2:178,578,065, C>T on the plus strand (G>A on the coding strand, the complement: TTN is on the minus strand). VCF-style: chr2-178578065-C-T. GRCh37 (hg19) VCF-style: chr2-179442792-C-T.
Other names: c.68450G>A (NM_001267550.1); c.63527G>A, p.Arg21176Gln (NM_001256850.1); c.41255G>A, p.Arg13752Gln (NM_003319.4); c.60746G>A, p.Arg20249Gln (NM_133378.4); c.41630G>A, p.Arg13877Gln (NM_133432.3); c.41831G>A, p.Arg13944Gln (NM_133437.4); short protein forms R20249Q, R22817Q, R13752Q, R13877Q, R13944Q, R21176Q.
Identifiers: ClinVar variation 332796 (VCV000332796.7), dbSNP rs372496072, ClinGen allele CA1991104.